The following is an entry in ClinVar:

NM_021073.4(BMP5):c.1104+2del

Gene: BMP5 (bone morphogenetic protein 5; minus strand). Cytogenetic location: 6p12.1.
Variant type: Deletion.
Coding change: c.1104+2del on transcript NM_021073.4 (MANE Select); the canonical splice donor site of the intron after coding-DNA position 1104, one base deleted (T; older notation c.1104+2delT).
Molecular consequence: splice donor variant. On other transcripts: intron variant (1).
Genome position (GRCh38, 1-based): chr6:55,760,455, A deleted on the plus strand (T on the coding strand, the reverse complement: BMP5 is on the minus strand). VCF-style (leftmost placement, unchanged base first): chr6-55760454-TA-T. GRCh37 (hg19) VCF-style: chr6-55625252-TA-T.
Other names: c.1028-4773del (NM_001329756.2); c.1104+2del (NM_001329754.2).
Identifiers: ClinVar variation 3236159 (VCV003236159.2).
Genomic context (GRCh38, chr6:55,760,454, plus strand): 5'-TGACTTATTAAGGATTTATGATAATTCAGAAAAGAAGCACCAAAGTTGACTGAAAATTCC[TA>T]CCTGCCATCCCAGATCCCGGAAGCTCACATAGAGTTCGTGCTTCTTACAGGCTTGTTTTT-3'

ClinVar aggregate classification (germline): Likely pathogenic (1 of 4 stars; one submission).

Conditions:
Microtia. Identifiers: MedGen C0152423, HP:0008551, MONDO:0010920.
Patellar aplasia. Identifiers: MedGen C1868578, HP:0006443.
Hypoplastic ischiopubic ramus. Identifiers: MedGen C4024617, HP:0008822.
Atrioventricular canal defect. Identifiers: MedGen C1389016, HP:0006695.

Submission:

Rare Disease Group, Clinical Genetics, Karolinska Institutet
Classification: Likely pathogenic for Patellar aplasia; Atrioventricular canal defect; Microtia; Hypoplastic ischiopubic ramus. Last evaluated: 2024-05-01. Review status: criteria provided, single submitter. Criteria: ACMG Guidelines, 2015. Collection method: clinical testing. Allele origin: maternal. Inheritance: Autosomal recessive inheritance. Affected: yes. Observed: 1 compound heterozygote.
Comment: This variant is absent in gnomAD v2.1.1 and functional studies shows that the variant disrupts splicing. Therefore, we have classified the variant as likely pathogenic.